The following is an entry in ClinVar:

ClinVar aggregate classification (germline): Conflicting classifications of pathogenicity. Review status: criteria provided, conflicting classifications (1 of 4 stars). 3 submissions from 3 submitters: Uncertain significance (1); Likely benign (2). Last evaluated 2025-07-15.

Conditions:
Dyskeratosis congenita, autosomal dominant 2. Identifiers: MedGen C3151443, MONDO:0013521, OMIM 613989.
Idiopathic Pulmonary Fibrosis. Also called: Idiopathic fibrosing alveolitis, chronic form; idiopathic fibrosing alveolitis. Identifiers: Orphanet 2032, MedGen C1800706, MeSH D054990, MONDO:0800504.
Dyskeratosis congenita. Identifiers: Orphanet 1775, MedGen C0265965, MONDO:0015780.

Allele frequency attached by ClinVar (database versions not stated): gnomAD exomes below 0.00001.
gnomAD v4.1: 2 of 1,614,010 alleles (0.00012%); highest among the groups gnomAD compares: South Asian, 0.0022%; no homozygotes.

Submissions (3):

Ambry Genetics
Classification: Uncertain significance for Dyskeratosis congenita. Last evaluated: 2025-07-15. Review status: criteria provided, single submitter. Criteria: Ambry Variant Classification Scheme 2023. Collection method: clinical testing. Allele origin: germline.
Comment: The p.G916S variant (also known as c.2746G>A), located in coding exon 11 of the TERT gene, results from a G to A substitution at nucleotide position 2746. The glycine at codon 916 is replaced by serine, an amino acid with similar properties. This amino acid position is not well conserved in available vertebrate species. In addition, this alteration is predicted to be tolerated by in silico analysis. Based on the available evidence, the clinical significance of this variant remains unclear.

Labcorp Genetics (formerly Invitae), Labcorp
Classification: Likely benign for Dyskeratosis congenita, autosomal dominant 2; Idiopathic Pulmonary Fibrosis. Last evaluated: 2024-12-13. Review status: criteria provided, single submitter. Criteria: Invitae Variant Classification Sherloc (09022015). Collection method: clinical testing. Allele origin: germline.

Dept. of Cytogenetics, ICMR- National Institute of Immunohaematology
Classification: Likely benign for Dyskeratosis congenita, autosomal dominant 2. Review status: criteria provided, single submitter. Criteria: ACMG Guidelines, 2015. Collection method: clinical testing. Allele origin: inherited. Affected: yes. Observed: 1 variant allele.

NM_198253.3(TERT):c.2746G>A (p.Gly916Ser)

Gene: TERT (telomerase reverse transcriptase; minus strand). Cytogenetic location: 5p15.33.
Variant type: single nucleotide variant.
Coding change: c.2746G>A on transcript NM_198253.3 (MANE Select); coding-DNA position 2746, G replaced by A.
Protein change: p.Gly916Ser; replaces glycine 916 with serine.
Molecular consequence: missense variant. On other transcripts: intron variant (1).
Genome position (GRCh38, 1-based): chr5:1,264,501, C>T on the plus strand (G>A on the coding strand, the complement: TERT is on the minus strand). VCF-style: chr5-1264501-C-T. GRCh37 (hg19) VCF-style: chr5-1264616-C-T.
Other names: c.2654+1963G>A (NM_001193376.3); short protein forms G916S.
Identifiers: ClinVar variation 1362346 (VCV001362346.13), dbSNP rs1189683846, ClinGen allele CA359071924.